The following is an entry in ClinVar:

NM_005198.5(CHKB):c.530T>A (p.Met177Lys)

Genes: CHKB (choline kinase beta; minus strand), CHKB-CPT1B (CHKB-CPT1B readthrough (NMD candidate); minus strand). Cytogenetic location: 22q13.33.
Variant type: single nucleotide variant.
Coding change: c.530T>A on transcript NM_005198.5 (MANE Select); coding-DNA position 530, T replaced by A.
Protein change: p.Met177Lys; replaces methionine 177 with lysine.
Molecular consequence: missense variant. On other transcripts: non-coding transcript variant (1).
Genome position (GRCh38, 1-based): chr22:50,581,471, A>T on the plus strand (T>A on the coding strand, the complement: CHKB is on the minus strand). VCF-style: chr22-50581471-A-T. GRCh37 (hg19) VCF-style: chr22-51019900-A-T.
Other names: short protein forms M177K.
Identifiers: ClinVar variation 4002388 (VCV004002388.2).
Genomic context (GRCh38, chr22:50,581,471, plus strand): 5'-CTGACTCACCGCTCCATGGTCCCAAACAGCCAGTGGGGCTCCTTGGTGAAAGGCATCTCC[A>T]TGCCATGAAATTGCGCCATCTTCGTGGCAATGGCTGCTGACAACACTGGCTCTCGAAGCT-3'
Protein context (NP_005189.2, residues 167-187): IATKMAQFHG[Met177Lys]EMPFTKEPHW

ClinVar aggregate classification (germline): Uncertain significance. Review status: criteria provided, multiple submitters, no conflicts (2 of 4 stars). 2 submissions from 2 submitters: Uncertain significance (2). Last evaluated 2025-04-28.

Conditions:
Inborn genetic diseases. Identifiers: MedGen C0950123, MeSH D030342.

Submissions (2):

Ambry Genetics
Classification: Uncertain significance for Inborn genetic diseases. Last evaluated: 2025-04-28. Review status: criteria provided, single submitter. Criteria: Ambry Variant Classification Scheme 2023. Collection method: clinical testing. Allele origin: germline.

GeneDx
Classification: Uncertain significance. Last evaluated: 2025-01-21. Review status: criteria provided, single submitter. Criteria: GeneDx Variant Classification Process June 2021. Collection method: clinical testing. Allele origin: germline. Affected: yes.
Comment: Not observed at significant frequency in large population cohorts (gnomAD); In silico analysis supports that this missense variant has a deleterious effect on protein structure/function; Has not been previously published as pathogenic or benign to our knowledge